The following is an entry in ClinVar:

ClinVar aggregate classification (germline): Uncertain significance. Review status: criteria provided, multiple submitters, no conflicts (2 of 4 stars). 2 submissions from 2 submitters: Uncertain significance (2). Last evaluated 2025-03-24.

Allele frequency attached by ClinVar (database versions not stated): TOPMed 0.00002.
gnomAD v4.1: 14 of 1,412,688 alleles (0.00099%); highest among the groups gnomAD compares: Non-Finnish European, 0.0012%; no homozygotes.

Submissions (2):

GeneDx
Classification: Uncertain significance. Last evaluated: 2025-03-24. Review status: criteria provided, single submitter. Criteria: GeneDx Variant Classification Process June 2021. Collection method: clinical testing. Allele origin: germline. Affected: yes.
Comment: Not observed at significant frequency in large population cohorts (gnomAD); In silico analysis indicates that this missense variant does not alter protein structure/function; Has not been previously published as pathogenic or benign to our knowledge

Laboratory for Molecular Medicine, Mass General Brigham Personalized Medicine
Classification: Uncertain significance. Last evaluated: 2016-06-07. Review status: criteria provided, single submitter. Criteria: LMM Criteria. Collection method: clinical testing. Allele origin: germline. Observed: 1 variant allele.
Comment: The p.Ala5Val variant in OTOG has not been previously reported in individuals wi th hearing loss, and data from large population studies are insufficient to asse ss the frequency of this variant. Computational prediction tools and conservati on analyses suggest that this variant may not impact the protein, though this in formation is not predictive enough to rule out pathogenicity. In summary, the c linical significance of the p.Ala5Val variant is uncertain.

NM_001292063.2(OTOG):c.14C>T (p.Ala5Val)

Gene: OTOG (otogelin; plus strand). Cytogenetic location: 11p15.1.
Variant type: single nucleotide variant.
Coding change: c.14C>T on transcript NM_001292063.2 (MANE Select); coding-DNA position 14, C replaced by T.
Protein change: p.Ala5Val; replaces alanine 5 with valine.
Molecular consequence: missense variant.
Genome position (GRCh38, 1-based): chr11:17,547,386, C>T. VCF-style: chr11-17547386-C-T. GRCh37 (hg19) VCF-style: chr11-17568933-C-T.
Other names: c.14C>T, p.Ala5Val (NM_001277269.2); short protein forms A5V.
Identifiers: ClinVar variation 505067 (VCV000505067.6), dbSNP rs1018902503, ClinGen allele CA218483364.